The following is an entry in ClinVar:

ClinVar aggregate classification (germline): Uncertain significance. Review status: criteria provided, multiple submitters, no conflicts (2 of 4 stars). 2 submissions from 2 submitters: Uncertain significance (2). Last evaluated 2023-08-17.

Allele frequency attached by ClinVar (database versions not stated): gnomAD 0.00008 and 0.00009; ESP Exome Variant Server 0.00023.
gnomAD v4.1: 204 of 1,613,954 alleles (0.013%); highest among the groups gnomAD compares: Non-Finnish European, 0.015%; no homozygotes.

Submissions (2):

Labcorp Genetics (formerly Invitae), Labcorp
Classification: Uncertain significance. Last evaluated: 2023-08-17. Review status: criteria provided, single submitter. Criteria: Invitae Variant Classification Sherloc (09022015). Collection method: clinical testing. Allele origin: germline.
Comment: This sequence change replaces threonine, which is neutral and polar, with isoleucine, which is neutral and non-polar, at codon 404 of the ADAMTS18 protein (p.Thr404Ile). This variant is present in population databases (rs144011185, gnomAD 0.02%). This variant has not been reported in the literature in individuals affected with ADAMTS18-related conditions. ClinVar contains an entry for this variant (Variation ID: 1492435). An algorithm developed to predict the effect of missense changes on protein structure and function (PolyPhen-2) suggests that this variant is likely to be disruptive. In summary, the available evidence is currently insufficient to determine the role of this variant in disease. Therefore, it has been classified as a Variant of Uncertain Significance.

Blueprint Genetics
Classification: Uncertain significance. Last evaluated: 2022-12-12. Review status: criteria provided, single submitter. Criteria: ACMG Guidelines, 2015. Collection method: clinical testing. Allele origin: germline.

NM_199355.4(ADAMTS18):c.1211C>T (p.Thr404Ile)

Gene: ADAMTS18 (ADAM metallopeptidase with thrombospondin type 1 motif 18; minus strand). Cytogenetic location: 16q23.1.
Variant type: single nucleotide variant.
Coding change: c.1211C>T on transcript NM_199355.4 (MANE Select); coding-DNA position 1211, C replaced by T.
Protein change: p.Thr404Ile; replaces threonine 404 with isoleucine.
Molecular consequence: missense variant.
Genome position (GRCh38, 1-based): chr16:77,362,110, G>A on the plus strand (C>T on the coding strand, the complement: ADAMTS18 is on the minus strand). VCF-style: chr16-77362110-G-A. GRCh37 (hg19) VCF-style: chr16-77396007-G-A.
Other names: c.695C>T, p.Thr232Ile (NM_001326358.2); short protein forms T232I, T404I.
Identifiers: ClinVar variation 1492435 (VCV001492435.6), dbSNP rs144011185, ClinGen allele CA8181417.